The following is an entry in ClinVar:

NM_000038.6(APC):c.7252A>G (p.Arg2418Gly)

Gene: APC (APC regulator of Wnt signaling pathway; plus strand). Cytogenetic location: 5q22.2.
Variant type: single nucleotide variant.
Coding change: c.7252A>G on transcript NM_000038.6 (MANE Select); coding-DNA position 7252, A replaced by G.
Protein change: p.Arg2418Gly; replaces arginine 2418 with glycine.
Molecular consequence: missense variant.
Genome position (GRCh38, 1-based): chr5:112,842,846, A>G. VCF-style: chr5-112842846-A-G. GRCh37 (hg19) VCF-style: chr5-112178543-A-G.
Other names: c.7252A>G, p.Arg2418Gly (NM_001127510.3, NM_001354895.2); c.7198A>G, p.Arg2400Gly (NM_001127511.3); c.7306A>G, p.Arg2436Gly (NM_001354896.2); c.7282A>G, p.Arg2428Gly (NM_001354897.2); c.7177A>G, p.Arg2393Gly (NM_001354898.2); c.7168A>G, p.Arg2390Gly (NM_001354899.2); c.7129A>G, p.Arg2377Gly (NM_001354900.2); c.7075A>G, p.Arg2359Gly (NM_001354901.2); and 5 more; short protein forms R2400G, R2418G, R2317G, R2377G, R2390G, R2258G, R2327G, R2359G.
Identifiers: ClinVar variation 470086 (VCV000470086.25), dbSNP rs760755317, ClinGen allele CA047313.

ClinVar aggregate classification (germline): Uncertain significance. Review status: criteria provided, multiple submitters, no conflicts (2 of 4 stars). 5 submissions from 5 submitters: Uncertain significance (5). Last evaluated 2025-04-04.

Conditions:
Hereditary cancer-predisposing syndrome. Also called: Hereditary neoplastic syndrome; Neoplastic Syndromes, Hereditary; Tumor predisposition; Hereditary Cancer Syndrome. Identifiers: Orphanet 140162, MedGen C0027672, MeSH D009386, MONDO:0015356.
Familial adenomatous polyposis 1 (FAP1). Also called: POLYPOSIS, ADENOMATOUS INTESTINAL; FAMILIAL ADENOMATOUS POLYPOSIS 1, ATTENUATED. Identifiers: MedGen C2713442, MONDO:0021056, OMIM 175100. Disease mechanism: loss of function.
Classic or attenuated familial adenomatous polyposis. Identifiers: MedGen CN372698, MONDO:0021057.

Allele frequency attached by ClinVar (database versions not stated): gnomAD exomes below 0.00001; TOPMed below 0.00001; ExAC 0.00001; gnomAD 0.00001.
gnomAD v4.1: 2 of 1,613,872 alleles (0.00012%); highest among the groups gnomAD compares: Non-Finnish European, 0.00017%; no homozygotes.

Submissions (5):

Ambry Genetics
Classification: Uncertain significance for Hereditary cancer-predisposing syndrome. Last evaluated: 2025-04-04. Review status: criteria provided, single submitter. Criteria: Ambry Variant Classification Scheme 2023. Collection method: clinical testing. Allele origin: germline.
Comment: The p.R2418G variant (also known as c.7252A>G), located in coding exon 15 of the APC gene, results from an A to G substitution at nucleotide position 7252. The arginine at codon 2418 is replaced by glycine, an amino acid with dissimilar properties. This amino acid position is highly conserved in available vertebrate species. In addition, in silico predictors for this gene do not accurately predict pathogenicity. Since supporting evidence is limited at this time, the clinical significance of this alteration remains unclear.

Labcorp Genetics (formerly Invitae), Labcorp
Classification: Uncertain significance for Familial adenomatous polyposis 1. Last evaluated: 2025-03-19. Review status: criteria provided, single submitter. Criteria: Invitae Variant Classification Sherloc (09022015). Collection method: clinical testing. Allele origin: germline.
Comment: This sequence change replaces arginine, which is basic and polar, with glycine, which is neutral and non-polar, at codon 2418 of the APC protein (p.Arg2418Gly). This variant is present in population databases (rs760755317, gnomAD 0.0009%). This variant has not been reported in the literature in individuals affected with APC-related conditions. ClinVar contains an entry for this variant (Variation ID: 470086). Invitae Evidence Modeling of protein sequence and biophysical properties (such as structural, functional, and spatial information, amino acid conservation, physicochemical variation, residue mobility, and thermodynamic stability) indicates that this missense variant is not expected to disrupt APC protein function with a negative predictive value of 95%. In summary, the available evidence is currently insufficient to determine the role of this variant in disease. Therefore, it has been classified as a Variant of Uncertain Significance.

All of Us Research Program, National Institutes of Health
Classification: Uncertain significance for Classic or attenuated familial adenomatous polyposis. Last evaluated: 2024-08-06. Review status: criteria provided, single submitter. Criteria: ACMG Guidelines, 2015. Collection method: clinical testing. Allele origin: germline. Inheritance: Autosomal dominant inheritance. Observed: 2 variant alleles, 2 heterozygotes.
Comment: This missense variant replaces arginine with glycine at codon 2418 of the APC protein. Computational prediction tool suggests that this variant may have deleterious impact on protein structure and function (internally defined REVEL score threshold >=0.7, PMID: 27666373). Splice site prediction tools suggest that this variant may not impact RNA splicing. To our knowledge, functional studies have not been performed for this variant. This variant has not been reported in individuals affected with hereditary cancer in the literature. This variant has been identified in 1/250126 chromosomes in the general population by the Genome Aggregation Database (gnomAD). The available evidence is insufficient to determine the role of this variant in disease conclusively. Therefore, this variant is classified as a Variant of Uncertain Significance.

This study involves interpretation of variants in research participants for the purpose of population health screening. Participant phenotype was not available at the time of variant classification. Additional details can be found in publication PMID: 35346344, PMCID: PMC8962531

Color Diagnostics, LLC DBA Color Health
Classification: Uncertain significance for Hereditary cancer-predisposing syndrome. Last evaluated: 2024-03-06. Review status: criteria provided, single submitter. Criteria: ACMG Guidelines, 2015. Collection method: clinical testing. Allele origin: germline.
Comment: This missense variant replaces arginine with glycine at codon 2418 of the APC protein. Computational prediction suggests that this variant may have deleterious impact on protein structure and function (internally defined REVEL score threshold >= 0.7, PMID: 27666373). To our knowledge, functional studies have not been reported for this variant. This variant has not been reported in individuals affected with APC-related disorders in the literature. This variant has been identified in 1/250126 chromosomes in the general population by the Genome Aggregation Database (gnomAD). The available evidence is insufficient to determine the role of this variant in disease conclusively. Therefore, this variant is classified as a Variant of Uncertain Significance.

Baylor Genetics
Classification: Uncertain significance for Familial adenomatous polyposis 1. Last evaluated: 2023-12-20. Review status: criteria provided, single submitter. Criteria: ACMG Guidelines, 2015. Collection method: clinical testing. Allele origin: unknown.